The following is an entry in ClinVar:

NM_003738.5(PTCH2):c.554T>C (p.Ile185Thr)

Gene: PTCH2 (patched 2; minus strand). Cytogenetic location: 1p34.1.
Variant type: single nucleotide variant.
Coding change: c.554T>C on transcript NM_003738.5 (MANE Select); coding-DNA position 554, T replaced by C.
Protein change: p.Ile185Thr; replaces isoleucine 185 with threonine.
Molecular consequence: missense variant.
Genome position (GRCh38, 1-based): chr1:44,831,769, A>G on the plus strand (T>C on the coding strand, the complement: PTCH2 is on the minus strand). VCF-style: chr1-44831769-A-G. GRCh37 (hg19) VCF-style: chr1-45297441-A-G.
Other names: c.554T>C, p.Ile185Thr (NM_001166292.2); short protein forms I185T.
Identifiers: ClinVar variation 1950992 (VCV001950992.5), dbSNP rs1653457008, ClinGen allele CA340107787.

ClinVar aggregate classification (germline): Uncertain significance (1 of 4 stars; one submission).

Conditions:
Gorlin syndrome. Also called: Basal cell nevus syndrome; Nevoid Basal Cell Carcinoma Syndrome. Identifiers: Orphanet 377, MedGen C0004779, MONDO:0007187.

Allele frequency attached by ClinVar (database versions not stated): gnomAD 0.00001.

Submission:

Labcorp Genetics (formerly Invitae), Labcorp
Classification: Uncertain significance for Gorlin syndrome. Last evaluated: 2022-01-17. Review status: criteria provided, single submitter. Criteria: Invitae Variant Classification Sherloc (09022015). Collection method: clinical testing. Allele origin: germline.
Comment: In summary, the available evidence is currently insufficient to determine the role of this variant in disease. Therefore, it has been classified as a Variant of Uncertain Significance. Algorithms developed to predict the effect of missense changes on protein structure and function are either unavailable or do not agree on the potential impact of this missense change (SIFT: "Deleterious"; PolyPhen-2: "Probably Damaging"; Align-GVGD: "Class C0"). This variant has not been reported in the literature in individuals affected with PTCH2-related conditions. This variant is not present in population databases (gnomAD no frequency). This sequence change replaces isoleucine, which is neutral and non-polar, with threonine, which is neutral and polar, at codon 185 of the PTCH2 protein (p.Ile185Thr).